The following is an entry in ClinVar:

ClinVar aggregate classification (germline): Conflicting classifications of pathogenicity. Review status: criteria provided, conflicting classifications (1 of 4 stars). 8 submissions from 8 submitters: Uncertain significance (5); Likely benign (1). 2 of the submissions do not count toward it. Last evaluated 2026-01-04.

Conditions:
Hereditary cancer-predisposing syndrome. Also called: Neoplastic Syndromes, Hereditary; Tumor predisposition; Hereditary Cancer Syndrome; Hereditary neoplastic syndrome. Identifiers: Orphanet 140162, MedGen C0027672, MeSH D009386, MONDO:0015356.
Hereditary breast ovarian cancer syndrome. Also called: Hereditary breast and ovarian cancer syndrome; Hereditary breast and ovarian cancer; Hereditary breast and ovarian cancer syndrome (HBOC); Breast and ovarian cancer; Hereditary breast and/or ovarian cancer syndrome; BRCA1- and BRCA2-Associated Hereditary Breast and Ovarian Cancer. Identifiers: Orphanet 145, MedGen C0677776, MeSH D061325, MONDO:0003582. Disease mechanism: loss of function.
Breast-ovarian cancer, familial, susceptibility to, 2 (BROVCA2). Also called: BRCA2 Hereditary Breast and Ovarian Cancer. Identifiers: Orphanet 145, MedGen C2675520, MONDO:0012933, OMIM 612555. Disease mechanism: loss of function.

Allele frequency attached by ClinVar (database versions not stated): gnomAD exomes below 0.00001.
gnomAD v4.1: 2 of 1,613,944 alleles (0.00012%); highest among the groups gnomAD compares: Non-Finnish European, 0.00017%; no homozygotes.

Submissions (8):

Labcorp Genetics (formerly Invitae), Labcorp
Classification: Uncertain significance for Hereditary breast ovarian cancer syndrome. Last evaluated: 2026-01-04. Review status: criteria provided, single submitter. Criteria: Invitae Variant Classification Sherloc (09022015). Collection method: clinical testing. Allele origin: germline.
Comment: This sequence change replaces threonine, which is neutral and polar, with isoleucine, which is neutral and non-polar, at codon 768 of the BRCA2 protein (p.Thr768Ile). This variant is not present in population databases (gnomAD no frequency). This missense change has been observed in individual(s) with clinical features of BRCA2-related conditions (PMID: 21520333, 36243179). ClinVar contains an entry for this variant (Variation ID: 51268). Invitae Evidence Modeling of protein sequence and biophysical properties (such as structural, functional, and spatial information, amino acid conservation, physicochemical variation, residue mobility, and thermodynamic stability) indicates that this missense variant is not expected to disrupt BRCA2 protein function with a negative predictive value of 95%. In summary, the available evidence is currently insufficient to determine the role of this variant in disease. Therefore, it has been classified as a Variant of Uncertain Significance.

Color Diagnostics, LLC DBA Color Health
Classification: Uncertain significance for Hereditary cancer-predisposing syndrome. Last evaluated: 2024-11-05. Review status: criteria provided, single submitter. Criteria: ACMG Guidelines, 2015. Collection method: clinical testing. Allele origin: germline.
Comment: This missense variant replaces threonine with isoleucine at codon 768 of the BRCA2 protein. Computational prediction suggests that this variant may not impact protein structure and function. To our knowledge, functional studies have not been reported for this variant. Multifactorial analyses have reported likelihood ratios for pathogenicity that reached a combined LR = 0.8759 from tumor pathology, co-occurrence with a pathogenic variant and personal and family history for two carriers (PMID: 31131967, 31853058). This variant has been detected in 1 individual older than age 70 years who has never had cancer (FLOSSIES database). This variant has not been identified in the general population by the Genome Aggregation Database (gnomAD). The available evidence is insufficient to determine the role of this variant in disease conclusively. Therefore, this variant is classified as a Variant of Uncertain Significance.

Ambry Genetics
Classification: Uncertain significance for Hereditary cancer-predisposing syndrome. Last evaluated: 2023-10-24. Review status: criteria provided, single submitter. Criteria: Ambry Variant Classification Scheme 2023. Collection method: clinical testing. Allele origin: germline.
Comment: The p.T768I variant (also known as c.2303C>T), located in coding exon 10 of the BRCA2 gene, results from a C to T substitution at nucleotide position 2303. The threonine at codon 768 is replaced by isoleucine, an amino acid with similar properties. This amino acid position is not well conserved in available vertebrate species, and isoleucine is the reference amino acid in other vertebrate species. In addition, this alteration is predicted to be tolerated by in silico analysis. Since supporting evidence is limited at this time, the clinical significance of this alteration remains unclear.

All of Us Research Program, National Institutes of Health
Classification: Uncertain significance for Breast-ovarian cancer, familial, susceptibility to, 2. Last evaluated: 2023-05-04. Review status: criteria provided, single submitter. Criteria: ACMG Guidelines, 2015. Collection method: clinical testing. Allele origin: germline. Inheritance: Autosomal dominant inheritance. Observed: 1 variant allele, 1 heterozygote.
Comment: This missense variant replaces threonine with isoleucine at codon 768 of the BRCA2 protein. Computational prediction suggests that this variant may not impact protein structure and function (internally defined REVEL score threshold <= 0.5, PMID: 27666373). To our knowledge, functional studies have not been reported for this variant. A multifactorial analysis has reported tumor pathology, co-occurrence and family history likelihood ratios for pathogenicity of 1.07, 1.0757 and 0.3089, respectively (PMID: 31131967). This variant has not been identified in the general population by the Genome Aggregation Database (gnomAD). The available evidence is insufficient to determine the role of this variant in disease conclusively. Therefore, this variant is classified as a Variant of Uncertain Significance.

This study involves interpretation of variants in research participants for the purpose of population health screening. Participant phenotype was not available at the time of variant classification. Additional details can be found in publication PMID: 35346344, PMCID: PMC8962531

University of Washington Department of Laboratory Medicine, University of Washington
Classification: Likely benign for Hereditary cancer-predisposing syndrome. Last evaluated: 2023-03-23. Review status: criteria provided, single submitter. Criteria: Dines et al. (Genet Med. 2020). Collection method: curation. Allele origin: germline.
Comment: Missense variant in a coldspot region where missense variants are very unlikely to be pathogenic (PMID:31911673).

BRCA2 exon 11 coldspot. Reclassification based on statistical prior probability.

GeneDx
Classification: Uncertain significance. Last evaluated: 2017-09-01. Review status: criteria provided, single submitter. Criteria: GeneDx Variant Classification (06012015). Collection method: clinical testing. Allele origin: germline. Affected: yes.
Comment: This variant is denoted BRCA2 c.2303C>T at the cDNA level, p.Thr768Ile (T768I) at the protein level, and results in the change of a Threonine to an Isoleucine (ACT>ATT). Using alternate nomenclature, this variant would be defined as BRCA2 2531C>T. This variant has not, to our knowledge, been published in the literature as pathogenic or benign. BRCA2 Thr768Ile was not observed in large population cohorts (NHLBI Exome Sequencing Project, The 1000 Genomes Consortium 2015, Lek 2016). Since Threonine and Isoleucine differ in polarity, charge, size or other properties, this is considered a non-conservative amino acid substitution. BRCA2 Thr768Ile occurs at a position that is not conserved and is not located in a known functional domain. In silico analyses predict that this variant is unlikely to alter protein structure or function. Based on currently available evidence, it is unclear whether BRCA2 Thr768Ile is pathogenic or benign. We consider it to be a variant of uncertain significance.

Counsyl
Classification: Uncertain significance for Breast-ovarian cancer, familial, susceptibility to, 2. Last evaluated: 2017-12-27. Review status: no assertion criteria provided. Collection method: clinical testing. Allele origin: unknown. Not counted in ClinVar's aggregate classification.

Breast Cancer Information Core (BIC) (BRCA2)
Classification: Uncertain significance for Breast-ovarian cancer, familial 2. Last evaluated: 2002-05-29. Review status: no assertion criteria provided. Collection method: clinical testing. Allele origin: germline. Affected: yes. Observed: 1 variant allele. Not counted in ClinVar's aggregate classification.

Literature cited by the submitters: PubMed 21520333 (cited by Labcorp Genetics (formerly Invitae), Labcorp); PubMed 36243179 (cited by Labcorp Genetics (formerly Invitae), Labcorp); PubMed 31131967 (cited by Color Diagnostics, LLC DBA Color Health and All of Us Research Program, National Institutes of Health); PubMed 31853058 (cited by Color Diagnostics, LLC DBA Color Health).

NM_000059.4(BRCA2):c.2303C>T (p.Thr768Ile)

Gene: BRCA2 (BRCA2 DNA repair associated; plus strand). Cytogenetic location: 13q13.1.
Variant type: single nucleotide variant.
Coding change: c.2303C>T on transcript NM_000059.4 (MANE Select); coding-DNA position 2303, C replaced by T.
Protein change: p.Thr768Ile; replaces threonine 768 with isoleucine.
Molecular consequence: missense variant.
Genome position (GRCh38, 1-based): chr13:32,336,658, C>T. VCF-style: chr13-32336658-C-T. GRCh37 (hg19) VCF-style: chr13-32910795-C-T.
Other names: short protein forms T768I.
Identifiers: ClinVar variation 51268 (VCV000051268.20), dbSNP rs55824746, ClinGen allele CA014909.
Genomic context (GRCh38, chr13:32,336,658, plus strand): 5'-ACAGTGATACTGACTTTCAATCCCAGAAAAGTCTTTTATATGATCATGAAAATGCCAGCA[C>T]TCTTATTTTAACTCCTACTTCCAAGGATGTTCTGTCAAACCTAGTCATGATTTCTAGAGG-3'
Protein context (NP_000050.3, residues 758-778): SLLYDHENAS[Thr768Ile]LILTPTSKDV